The following is an entry in ClinVar:

ClinVar aggregate classification (germline): Uncertain significance (1 of 4 stars; one submission).

Conditions:
Emery-Dreifuss muscular dystrophy 5, autosomal dominant (EDMD5). Also called: EMERY-DREIFUSS MUSCULAR DYSTROPHY 5. Identifiers: Orphanet 261, MedGen C2751805, MONDO:0013072, OMIM 612999.

Submission:

Labcorp Genetics (formerly Invitae), Labcorp
Classification: Uncertain significance for Emery-Dreifuss muscular dystrophy 5, autosomal dominant. Last evaluated: 2021-07-20. Review status: criteria provided, single submitter. Criteria: Invitae Variant Classification Sherloc (09022015). Collection method: clinical testing. Allele origin: germline.
Comment: Algorithms developed to predict the effect of missense changes on protein structure and function do not agree on the potential impact of this missense change (SIFT: "Deleterious"; PolyPhen-2: "Probably Damaging"; Align-GVGD: "Class C0"). In summary, the available evidence is currently insufficient to determine the role of this variant in disease. Therefore, it has been classified as a Variant of Uncertain Significance. This variant has not been reported in the literature in individuals with SYNE2-related disease. This sequence change replaces glutamine with histidine at codon 2418 of the SYNE2 protein (p.Gln2418His). The glutamine residue is weakly conserved and there is a small physicochemical difference between glutamine and histidine. This variant is not present in population databases (ExAC no frequency).

NM_182914.3(SYNE2):c.7254A>C (p.Gln2418His)

Gene: SYNE2 (spectrin repeat containing nuclear envelope protein 2; plus strand). Cytogenetic location: 14q23.2.
Variant type: single nucleotide variant.
Coding change: c.7254A>C on transcript NM_182914.3 (MANE Select); coding-DNA position 7254, A replaced by C.
Protein change: p.Gln2418His; replaces glutamine 2418 with histidine.
Molecular consequence: missense variant.
Genome position (GRCh38, 1-based): chr14:64,048,032, A>C. VCF-style: chr14-64048032-A-C. GRCh37 (hg19) VCF-style: chr14-64514750-A-C.
Other names: c.7254A>C, p.Gln2418His (NM_015180.6); short protein forms Q2418H.
Identifiers: ClinVar variation 569650 (VCV000569650.8), dbSNP rs984046422, ClinGen allele CA389957525.